The following is an entry in ClinVar:

NM_001875.5(CPS1):c.1328A>C (p.Tyr443Ser)

Gene: CPS1 (carbamoyl-phosphate synthase 1; plus strand). Cytogenetic location: 2q34.
Variant type: single nucleotide variant.
Coding change: c.1328A>C on transcript NM_001875.5 (MANE Select); coding-DNA position 1328, A replaced by C.
Protein change: p.Tyr443Ser; replaces tyrosine 443 with serine.
Molecular consequence: missense variant. On other transcripts: non-coding transcript variant (2).
Genome position (GRCh38, 1-based): chr2:210,595,551, A>C. VCF-style: chr2-210595551-A-C. GRCh37 (hg19) VCF-style: chr2-211460275-A-C.
Other names: c.1328A>C, p.Tyr443Ser (NM_001122633.3, NM_001369257.1); c.1361A>C, p.Tyr454Ser (NM_001369256.1); short protein forms Y443S, Y454S.
Identifiers: ClinVar variation 1805199 (VCV001805199.1), dbSNP rs2469136447, ClinGen allele CA350433211.

ClinVar aggregate classification (germline): Uncertain significance (1 of 4 stars; one submission).

Conditions:
Congenital hyperammonemia, type I. Also called: Carbamoyl phosphate synthetase 1 deficiency; Hyperammonemia due to carbamoyl phosphate synthetase 1 deficiency; CPS 1 deficiency; Carbamyl phosphate synthetase (CPS) deficiency; CPS I DEFICIENCY; Carbamoyl-phosphate synthase I deficiency. Identifiers: Orphanet 147, MedGen C4082171, MONDO:0009376, OMIM 237300.

Submission:

Victorian Clinical Genetics Services, Murdoch Childrens Research Institute
Classification: Uncertain significance for Congenital hyperammonemia, type I. Last evaluated: 2022-02-02. Review status: criteria provided, single submitter. Criteria: ACMG Guidelines, 2015. Collection method: clinical testing. Allele origin: germline. Inheritance: Autosomal recessive inheritance. Affected: yes.
Comment: Based on the classification scheme VCGS_Germline_v1.3.4, this variant is classified as VUS-3A. Following criteria are met: 0102 - Loss of function is a known mechanism of disease in this gene and is associated with Carbamoylphosphate synthetase I deficiency (MIM#237300). (I) 0106 - This gene is associated with autosomal recessive disease. (I) 0200 - Variant is predicted to result in a missense amino acid change from tyrosine to serine. (I) 0251 - This variant is heterozygous. (I) 0301 - Variant is absent from gnomAD (both v2 and v3). (SP) 0309 - An alternative amino acid change at the same position has been observed in gnomAD (v2) (1 heterozygote, 0 homozygotes). (I) 0501 - Missense variant consistently predicted to be damaging by multiple in silico tools or highly conserved with a major amino acid change. (SP) 0604 - Variant is not located in an established domain, motif, hotspot or informative constraint region. (I) 0705 - No comparable missense variants have previous evidence for pathogenicity. (I) 0807 - This variant has no previous evidence of pathogenicity. (I) 0905 - No published segregation evidence has been identified for this variant. (I) 1007 - No published functional evidence has been identified for this variant. (I) 1101 - Very strong and specific phenotype match for this individual. (I) Legend: (SP) - Supporting pathogenic, (I) - Information, (SB) - Supporting benign